The following is an entry in ClinVar:

NM_001376232.1(ZP2):c.1137C>T (p.Asp379=)

Gene: ZP2 (zona pellucida glycoprotein 2; minus strand). Cytogenetic location: 16p12.2.
Variant type: single nucleotide variant.
Coding change: c.1137C>T on transcript NM_001376232.1 (MANE Select); coding-DNA position 1137, C replaced by T.
Protein change: p.Asp379=; no amino-acid change (aspartic acid 379 retained).
Molecular consequence: synonymous variant. On other transcripts: non-coding transcript variant (1).
Genome position (GRCh38, 1-based): chr16:21,202,254, G>A on the plus strand (C>T on the coding strand, the complement: ZP2 is on the minus strand). VCF-style: chr16-21202254-G-A. GRCh37 (hg19) VCF-style: chr16-21213575-G-A.
Other names: c.1137C>T, p.Asp379= (NM_001376231.1, NM_001376233.1, NM_003460.2).
Identifiers: ClinVar variation 4533679 (VCV004533679.7).

ClinVar aggregate classification (germline): Likely benign. Review status: criteria provided, multiple submitters, no conflicts (2 of 4 stars). 2 submissions from 2 submitters: Likely benign (2). Last evaluated 2025-10-01.

Submissions (2):

CeGaT Center for Human Genetics Tuebingen
Classification: Likely benign. Last evaluated: 2025-10-01. Review status: criteria provided, single submitter. Criteria: CeGaT Center For Human Genetics Tuebingen Variant Classification Criteria Version 2. Collection method: clinical testing. Allele origin: germline. Affected: yes. Observed: 1 variant allele.
Comment: ZP2: BP4, BP7

Blueprint Genetics
Classification: Likely benign. Last evaluated: 2024-11-27. Review status: criteria provided, single submitter. Criteria: ACMG Guidelines, 2015. Collection method: clinical testing. Allele origin: germline.